The following is an entry in ClinVar:

NM_002857.4(PEX19):c.863C>T (p.Pro288Leu)

Gene: PEX19 (peroxisomal biogenesis factor 19; minus strand). Cytogenetic location: 1q23.2.
Variant type: single nucleotide variant.
Coding change: c.863C>T on transcript NM_002857.4 (MANE Select); coding-DNA position 863, C replaced by T.
Protein change: p.Pro288Leu; replaces proline 288 with leucine.
Molecular consequence: missense variant. On other transcripts: non-coding transcript variant (2), intron variant (1).
Genome position (GRCh38, 1-based): chr1:160,279,588, G>A on the plus strand (C>T on the coding strand, the complement: PEX19 is on the minus strand). VCF-style: chr1-160279588-G-A. GRCh37 (hg19) VCF-style: chr1-160249378-G-A.
Other names: c.817-6C>T (NM_001193644.1); short protein forms P288L.
Identifiers: ClinVar variation 1515309 (VCV001515309.6), dbSNP rs746472158, ClinGen allele CA1197198.

ClinVar aggregate classification (germline): Uncertain significance (1 of 4 stars; one submission).

Conditions:
Peroxisome biogenesis disorder 12A (Zellweger). Also called: Peroxisome biogenesis disorder 12A. Identifiers: Orphanet 912, MedGen C3554002, MONDO:0013951, OMIM 614886.

Allele frequency attached by ClinVar (database versions not stated): gnomAD exomes below 0.00001 and 0.00001; ExAC 0.00001; gnomAD 0.00002 and 0.00003; TOPMed 0.00002.

Submission:

Labcorp Genetics (formerly Invitae), Labcorp
Classification: Uncertain significance for Peroxisome biogenesis disorder 12A (Zellweger). Last evaluated: 2021-09-19. Review status: criteria provided, single submitter. Criteria: Invitae Variant Classification Sherloc (09022015). Collection method: clinical testing. Allele origin: germline.
Comment: Algorithms developed to predict the effect of missense changes on protein structure and function (SIFT, PolyPhen-2, Align-GVGD) all suggest that this variant is likely to be tolerated. This variant has not been reported in the literature in individuals affected with PEX19-related conditions. This variant is present in population databases (rs746472158, ExAC 0.01%). This sequence change replaces proline with leucine at codon 288 of the PEX19 protein (p.Pro288Leu). The proline residue is moderately conserved and there is a moderate physicochemical difference between proline and leucine. In summary, the available evidence is currently insufficient to determine the role of this variant in disease. Therefore, it has been classified as a Variant of Uncertain Significance.